The following is an entry in ClinVar:

NM_002861.5(PCYT2):c.1075C>T (p.Arg359Ter)

Gene: PCYT2 (phosphate cytidylyltransferase 2, ethanolamine; minus strand). Cytogenetic location: 17q25.3.
Variant type: single nucleotide variant.
Coding change: c.1075C>T on transcript NM_002861.5 (MANE Select); coding-DNA position 1075, C replaced by T.
Protein change: p.Arg359Ter; replaces arginine 359 with a stop codon.
Molecular consequence: nonsense.
Genome position (GRCh38, 1-based): chr17:81,904,928, G>A on the plus strand (C>T on the coding strand, the complement: PCYT2 is on the minus strand). VCF-style: chr17-81904928-G-A. GRCh37 (hg19) VCF-style: chr17-79862804-G-A.
Other names: c.1129C>T, p.Arg377Ter (NM_001184917.3); c.913C>T, p.Arg305Ter (NM_001256433.3); c.952C>T, p.Arg318Ter (NM_001256434.3); c.841C>T, p.Arg281Ter (NM_001256435.3, NM_001282203.2); c.979C>T, p.Arg327Ter (NM_001282204.2); c.1009C>T, p.Arg337Ter (NM_001330518.2); c.1129C>T (NM_001184917.1); short protein forms R377*, R281*, R305*, R318*, R327*, R337*, R359*.
Identifiers: ClinVar variation 812573 (VCV000812573.10), dbSNP rs377278120, ClinGen allele CA8844041.
Genomic context (GRCh38, chr17:81,904,928, plus strand): 5'-CCGCCTGCTGCCTGGCAGCCTCCAGGAAGGCCAGCTCCTTGGCTTCCTTCTTCTGGTTTC[G>A]CGCCTCATACTCCAACCTGAGAGGGCAGGGTAAGTCTAGCAGAGAGCGCCCATGAGGCGG-3'

ClinVar aggregate classification (germline): Pathogenic/Likely pathogenic. Review status: criteria provided, multiple submitters, no conflicts (2 of 4 stars). 3 submissions from 3 submitters: Pathogenic (1); Likely pathogenic (1). 1 of the submissions does not count toward it. Last evaluated 2021-09-13.

Conditions:
Spastic paraplegia 82, autosomal recessive (SPG82). Identifiers: Orphanet 631073, MedGen C5394037, MONDO:0032906, OMIM 618770.
Inborn genetic diseases. Identifiers: MedGen C0950123, MeSH D030342.

Allele frequency attached by ClinVar (database versions not stated): TOPMed 0.00008; ExAC 0.00003; gnomAD exomes 0.00006 and 0.00015; ESP Exome Variant Server 0.00008; gnomAD 0.00005.

Submissions (3):

Ambry Genetics
Classification: Likely pathogenic for Inborn genetic diseases. Last evaluated: 2021-09-13. Review status: criteria provided, single submitter. Criteria: Ambry Variant Classification Scheme 2023. Collection method: clinical testing. Allele origin: germline.
Comment: The c.1129C>T (p.R377*) alteration, located in exon 14 (coding exon 14) of the PCYT2 gene, consists of a C to T substitution at nucleotide position 1129. This changes the amino acid from an arginine (R) to a stop codon at amino acid position 377. This alteration occurs at the 3' terminus of the PCYT2 gene, is not expected to trigger nonsense-mediated mRNA decay, and only impacts the last 7% of the protein. However, premature stop codons are typically deleterious in nature. Based on data from gnomAD, the T allele has an overall frequency of 0.0057% (16/279,032) total alleles studied. The highest observed frequency was 0.01% (15/126,898) of European (non-Finnish) alleles. This alteration has been reported homozygous and compound heterozygous with a second alteration in multiple patients with progressive spastic paraplegia, global developmental delay, seizures, growth delay, nystagmus, poor vision, and abnormal brain MRI (Vaz, 2019; Velez-Santamaria, 2020). Fibroblasts derived from patients who were compound heterozygous for this alteration and a second alteration in PCYT2, showed significant reduction of enzyme activity and reduced protein levels, as well as profound lipid abnormalities impacting both neutral etherlipid and etherphospholipid metabolism (Vaz, 2019). Based on the available evidence, this alteration is classified as likely pathogenic.

Institute of Human Genetics Munich, TUM University Hospital
Classification: Pathogenic for Spastic paraplegia 82, autosomal recessive. Last evaluated: 2019-12-10. Review status: criteria provided, single submitter. Criteria: Classification criteria August 2017. Collection method: clinical testing. Allele origin: inherited. Inheritance: Autosomal recessive inheritance. Affected: yes. Observed: 1 homozygote.

OMIM
Classification: Pathogenic for SPASTIC PARAPLEGIA 82, AUTOSOMAL RECESSIVE. Last evaluated: 2020-02-17. Review status: no assertion criteria provided. Collection method: literature only. Allele origin: germline. Not counted in ClinVar's aggregate classification.

Literature cited by the submitters: PubMed 31637422 (cited by Ambry Genetics and OMIM); PubMed 32889549 (cited by Ambry Genetics).